The following is an entry in ClinVar:

NM_001114753.3(ENG):c.251C>G (p.Ala84Gly)

Gene: ENG (endoglin; minus strand). Cytogenetic location: 9q34.11.
Variant type: single nucleotide variant.
Coding change: c.251C>G on transcript NM_001114753.3 (MANE Select); coding-DNA position 251, C replaced by G.
Protein change: p.Ala84Gly; replaces alanine 84 with glycine.
Molecular consequence: missense variant. On other transcripts: 5 prime UTR variant (1).
Genome position (GRCh38, 1-based): chr9:127,829,796, G>C on the plus strand (C>G on the coding strand, the complement: ENG is on the minus strand). VCF-style: chr9-127829796-G-C. GRCh37 (hg19) VCF-style: chr9-130592075-G-C.
Other names: c.251C>G, p.Ala84Gly (NM_000118.4, NM_001406715.1); c.-296C>G (NM_001278138.2); short protein forms A84G.
Identifiers: ClinVar variation 4870472 (VCV004870472.1).

ClinVar aggregate classification (germline): Uncertain significance (1 of 4 stars; one submission).

Conditions:
Cardiovascular phenotype. Identifiers: MedGen CN230736.

Submission:

Ambry Genetics
Classification: Uncertain significance for Cardiovascular phenotype. Last evaluated: 2026-05-18. Review status: criteria provided, single submitter. Criteria: Ambry Variant Classification Scheme 2023. Collection method: clinical testing. Allele origin: germline.
Comment: The p.A84G variant (also known as c.251C>G), located in coding exon 3 of the ENG gene, results from a C to G substitution at nucleotide position 251. The alanine at codon 84 is replaced by glycine, an amino acid with similar properties. This amino acid position is conserved. In addition, this alteration is predicted to be tolerated by in silico analysis. Based on the available evidence, the clinical significance of this variant remains unclear.